The following is an entry in ClinVar:

ClinVar aggregate classification (germline): Uncertain significance (1 of 4 stars; one submission).

Allele frequency attached by ClinVar (database versions not stated): gnomAD 0.00001.

Submission:

Ambry Genetics
Classification: Uncertain significance. Last evaluated: 2021-06-30. Review status: criteria provided, single submitter. Criteria: Ambry Variant Classification Scheme 2023. Collection method: clinical testing. Allele origin: germline.
Comment: The p.S110A variant (also known as c.328T>G), located in coding exon 1 of the MLH3 gene, results from a T to G substitution at nucleotide position 328. The serine at codon 110 is replaced by alanine, an amino acid with similar properties. This amino acid position is conserved. In addition, the in silico prediction for this alteration is inconclusive. Since supporting evidence is limited at this time, the clinical significance of this alteration remains unclear.

NM_001040108.2(MLH3):c.328T>G (p.Ser110Ala)

Gene: MLH3 (mutL homolog 3; minus strand). Cytogenetic location: 14q24.3.
Variant type: single nucleotide variant.
Coding change: c.328T>G on transcript NM_001040108.2 (MANE Select); coding-DNA position 328, T replaced by G.
Protein change: p.Ser110Ala; replaces serine 110 with alanine.
Molecular consequence: missense variant.
Genome position (GRCh38, 1-based): chr14:75,049,328, A>C on the plus strand (T>G on the coding strand, the complement: MLH3 is on the minus strand). VCF-style: chr14-75049328-A-C. GRCh37 (hg19) VCF-style: chr14-75516031-A-C.
Other names: c.328T>G, p.Ser110Ala (NM_014381.3); short protein forms S110A.
Identifiers: ClinVar variation 1729840 (VCV001729840.2), dbSNP rs1732513145, ClinGen allele CA390450956.